The following is an entry in ClinVar:

NM_138694.4(PKHD1):c.1854del (p.Gly619fs)

Gene: PKHD1 (PKHD1 ciliary IPT domain containing fibrocystin/polyductin; minus strand). Cytogenetic location: 6p12.2.
Variant type: Deletion.
Coding change: c.1854del on transcript NM_138694.4 (MANE Select); coding-DNA position 1854, one base deleted (A; older notation c.1854delA).
Protein change: p.Gly619fs; shifts the reading frame from glycine 619.
Molecular consequence: frameshift variant.
Genome position (GRCh38, 1-based): chr6:52,054,148, T deleted on the plus strand (A on the coding strand, the reverse complement: PKHD1 is on the minus strand); the first of 3 consecutive T bases (chr6:52,054,148-52,054,150); deleting any one gives the same sequence. VCF-style (leftmost placement, unchanged base first): chr6-52054147-CT-C. GRCh37 (hg19) VCF-style: chr6-51918945-CT-C.
Other names: c.1854del, p.Gly619fs (NM_170724.3); c.1854delA (NM_138694.3); short protein forms G619fs.
Identifiers: ClinVar variation 1179144 (VCV001179144.12), dbSNP rs1807328785, ClinGen allele CA1628595896.
Genomic context (GRCh38, chr6:52,054,147, plus strand): 5'-CCATGTTTTGAAAGCCGATTGTGAAGGACACAATCATCTTCAGGATCTTGTTCATGTGGC[CT>C]TTGTATGCAAGACACAGCTATGGACACCAAATAAGTCCTTCAGTTCTATTAGTGCAAGAA-3'

ClinVar aggregate classification (germline): Pathogenic. Review status: criteria provided, multiple submitters, no conflicts (2 of 4 stars). 4 submissions from 4 submitters: Pathogenic (4). Last evaluated 2026-08-11.

Conditions:
Polycystic kidney disease 4 (PKD4). Also called: POLYCYSTIC KIDNEY AND HEPATIC DISEASE 1; POLYCYSTIC KIDNEY DISEASE, INFANTILE, TYPE I; POLYCYSTIC KIDNEY DISEASE 4 WITH OR WITHOUT POLYCYSTIC LIVER DISEASE; PKD3; Autosomal Recessive Polycystic Kidney Disease – PKHD1. Identifiers: MedGen C4540575, MONDO:0033004, OMIM 263200.
Autosomal recessive polycystic kidney disease (ARPKD). Also called: AR polycystic kidney disease. Identifiers: Orphanet 731, Orphanet 8378, MedGen C0085548, MeSH D017044, MONDO:0009889.

Submissions (4):

Myriad Genetics, Inc.
Classification: Pathogenic for Polycystic kidney disease 4. Last evaluated: 2026-08-11. Review status: criteria provided, single submitter. Criteria: Myriad Autosomal Dominant, Autosomal Recessive and X-Linked Classification Criteria (2023). Collection method: clinical testing. Allele origin: unknown.
Comment: NM_138694.3(PKHD1):c.1854delA(G619Afs*3) is expected to be pathogenic in the context of autosomal recessive polycystic kidney disease, PKHD1-related. This variant is predicted to lead to an abnormal or absent protein product due to the creation of a premature termination codon in PKHD1, a gene where loss-of-function variants are known to be pathogenic. Please note: this variant was assessed in the context of healthy population screening.

Natera, Inc.
Classification: Pathogenic for Autosomal recessive polycystic kidney disease. Last evaluated: 2024-05-08. Review status: criteria provided, single submitter. Criteria: Natera Variant Classification Schema (03/2026). Collection method: clinical testing. Allele origin: germline.
Comment: The c.1854delA variant in PKHD1 is a frameshift variant predicted to shift the reading frame beginning at codon 619 and leads to a stop codon 3 codons downstream. This variant is expected to result in nonsense mediated decay, truncation, or a dysfunctional protein product. This variant is rare in the general population with a frequency below the threshold expected for the associated phenotype(s). This variant has been observed in one or more individuals affected with the associated recessive disease, as either homozygous or compound heterozygous with a second variant (PMID: 27225849). Given the available evidence, this variant is classified as Pathogenic.

Labcorp Genetics (formerly Invitae), Labcorp
Classification: Pathogenic for Autosomal recessive polycystic kidney disease. Last evaluated: 2023-04-18. Review status: criteria provided, single submitter. Criteria: Invitae Variant Classification Sherloc (09022015). Collection method: clinical testing. Allele origin: germline.
Comment: For these reasons, this variant has been classified as Pathogenic. ClinVar contains an entry for this variant (Variation ID: 1179144). This premature translational stop signal has been observed in individual(s) with clinical features of polycystic kidney disease (PMID: 15805161, 27225849, 30650191). This variant is not present in population databases (gnomAD no frequency). This sequence change creates a premature translational stop signal (p.Gly619Alafs*3) in the PKHD1 gene. It is expected to result in an absent or disrupted protein product. Loss-of-function variants in PKHD1 are known to be pathogenic (PMID: 19940839).

Fulgent Genetics
Classification: Pathogenic for Polycystic kidney disease 4. Last evaluated: 2021-06-30. Review status: criteria provided, single submitter. Criteria: ACMG Guidelines, 2015. Collection method: clinical testing. Allele origin: unknown.
Comment: This variant has been detected in individual(s) who were sent for testing of Renasight - kidney gene panel.

Literature cited by the submitters: PubMed 27225849 (cited by Natera, Inc. and Labcorp Genetics (formerly Invitae), Labcorp); PubMed 15805161 (cited by Labcorp Genetics (formerly Invitae), Labcorp); PubMed 30650191 (cited by Labcorp Genetics (formerly Invitae), Labcorp); PubMed 19940839 (cited by Labcorp Genetics (formerly Invitae), Labcorp).